The following is an entry in ClinVar:

ClinVar aggregate classification (germline): Uncertain significance (1 of 4 stars; one submission).

Conditions:
Adams-Oliver syndrome 5 (AOS5). Identifiers: Orphanet 974, MedGen C4014970, MONDO:0014459, OMIM 616028.

Submission:

Labcorp Genetics (formerly Invitae), Labcorp
Classification: Uncertain significance for Adams-Oliver syndrome 5. Last evaluated: 2022-07-06. Review status: criteria provided, single submitter. Criteria: Invitae Variant Classification Sherloc (09022015). Collection method: clinical testing. Allele origin: germline.
Comment: This variant results in a copy number gain of the genomic region encompassing exon(s) 2-34 of the NOTCH1 gene. This region includes the termination codon of the gene. This copy number gain extends beyond the assayed region for this gene and therefore may encompass additional genes. As the precise location of this event is unknown, it may be in tandem or it may be located elsewhere in the genome. This variant has not been reported in the literature in individuals affected with NOTCH1-related conditions. Experimental studies and prediction algorithms are not available or were not evaluated, and the functional significance of this variant is currently unknown. In summary, the available evidence is currently insufficient to determine the role of this variant in disease. Therefore, it has been classified as a Variant of Uncertain Significance.

NC_000009.11:g.(?_139390523)_(139438574_?)dup

Gene: NOTCH1 (notch receptor 1; minus strand). Cytogenetic location: 9q34.3.
Variant type: Duplication.
Identifiers: ClinVar variation 1513650 (VCV001513650.4).